The following is an entry in ClinVar:

NM_001025356.3(ANO6):c.2181C>G (p.Ile727Met)

Gene: ANO6 (anoctamin 6; plus strand). Cytogenetic location: 12q12.
Variant type: single nucleotide variant.
Coding change: c.2181C>G on transcript NM_001025356.3 (MANE Select); coding-DNA position 2181, C replaced by G.
Protein change: p.Ile727Met; replaces isoleucine 727 with methionine.
Molecular consequence: missense variant.
Genome position (GRCh38, 1-based): chr12:45,416,868, C>G. VCF-style: chr12-45416868-C-G. GRCh37 (hg19) VCF-style: chr12-45810651-C-G.
Other names: c.2127C>G, p.Ile709Met (NM_001142678.2); c.2181C>G, p.Ile727Met (NM_001142679.2); c.2244C>G, p.Ile748Met (NM_001204803.2); c.2148C>G, p.Ile716Met (NM_001410973.1); short protein forms I709M, I748M, I727M, I716M.
Identifiers: ClinVar variation 1948115 (VCV001948115.4), dbSNP rs369660576, ClinGen allele CA6525533.

ClinVar aggregate classification (germline): Uncertain significance (1 of 4 stars; one submission).

Allele frequency attached by ClinVar (database versions not stated): gnomAD 0.00001; gnomAD exomes 0.00001; ExAC 0.00003; TOPMed 0.00004; ESP Exome Variant Server 0.00008.
gnomAD v4.1: 19 of 1,614,066 alleles (0.0012%); highest among the groups gnomAD compares: Admixed American, 0.0017%; no homozygotes.

Submission:

Labcorp Genetics (formerly Invitae), Labcorp
Classification: Uncertain significance. Last evaluated: 2022-11-14. Review status: criteria provided, single submitter. Criteria: Invitae Variant Classification Sherloc (09022015). Collection method: clinical testing. Allele origin: germline.
Comment: In summary, the available evidence is currently insufficient to determine the role of this variant in disease. Therefore, it has been classified as a Variant of Uncertain Significance. Advanced modeling of protein sequence and biophysical properties (such as structural, functional, and spatial information, amino acid conservation, physicochemical variation, residue mobility, and thermodynamic stability) performed at Invitae indicates that this missense variant is expected to disrupt ANO6 protein function. This variant has not been reported in the literature in individuals affected with ANO6-related conditions. This variant is present in population databases (rs369660576, gnomAD 0.003%). This sequence change replaces isoleucine, which is neutral and non-polar, with methionine, which is neutral and non-polar, at codon 727 of the ANO6 protein (p.Ile727Met).